The following is an entry in ClinVar:

NM_003331.5(TYK2):c.1477-2A>G

Gene: TYK2 (tyrosine kinase 2; minus strand). Cytogenetic location: 19p13.2.
Variant type: single nucleotide variant.
Coding change: c.1477-2A>G on transcript NM_003331.5 (MANE Select); the canonical splice acceptor site of the intron before coding-DNA position 1477, A replaced by G.
Molecular consequence: splice acceptor variant. On other transcripts: intron variant (1).
Genome position (GRCh38, 1-based): chr19:10,362,458, T>C on the plus strand (A>G on the coding strand, the complement: TYK2 is on the minus strand). VCF-style: chr19-10362458-T-C. GRCh37 (hg19) VCF-style: chr19-10473134-T-C.
Other names: c.1477-2A>G (NM_001385199.1, NM_001406461.1, NM_001385207.1 and 6 more transcripts); c.1387-2A>G (NM_001385205.1); c.1279-2A>G (NM_001385201.1); c.1476+91A>G (NM_001385206.1).
Identifiers: ClinVar variation 3619975 (VCV003619975.2).

ClinVar aggregate classification (germline): Likely pathogenic (1 of 4 stars; one submission).

Conditions:
Immunodeficiency 35 (IMD35). Also called: HIES WITH ATYPICAL MYCOBACTERIOSIS, AUTOSOMAL RECESSIVE; HYPER-IgE SYNDROME WITH ATYPICAL MYCOBACTERIOSIS, AUTOSOMAL RECESSIVE; Susceptibility to infection due to TYK2 deficiency; TYK2 DEFICIENCY. Identifiers: Orphanet 331226, MedGen C1969086, MONDO:0012682, OMIM 611521.

Submission:

Labcorp Genetics (formerly Invitae), Labcorp
Classification: Likely pathogenic for Immunodeficiency 35. Last evaluated: 2024-10-28. Review status: criteria provided, single submitter. Criteria: Invitae Variant Classification Sherloc (09022015). Collection method: clinical testing. Allele origin: germline.
Comment: This sequence change affects an acceptor splice site in intron 10 of the TYK2 gene. It is expected to disrupt RNA splicing. Variants that disrupt the donor or acceptor splice site typically lead to a loss of protein function (PMID: 16199547), and loss-of-function variants in TYK2 are known to be pathogenic (PMID: 22402565, 26304966). The frequency data for this variant in the population databases is considered unreliable, as metrics indicate poor data quality at this position in the gnomAD database. This variant has not been reported in the literature in individuals affected with TYK2-related conditions. Algorithms developed to predict the effect of sequence changes on RNA splicing suggest that this variant may disrupt the consensus splice site. In summary, the currently available evidence indicates that the variant is pathogenic, but additional data are needed to prove that conclusively. Therefore, this variant has been classified as Likely Pathogenic.

Literature cited by the submitters: PubMed 16199547; PubMed 22402565; PubMed 26304966.